The following is an entry in ClinVar:

NM_002029.4(FPR1):c.726C>A (p.Val242=)

Gene: FPR1 (formyl peptide receptor 1; minus strand). Cytogenetic location: 19q13.41.
Variant type: single nucleotide variant.
Coding change: c.726C>A on transcript NM_002029.4 (MANE Select); coding-DNA position 726, C replaced by A.
Protein change: p.Val242=; no amino-acid change (valine 242 retained).
Molecular consequence: synonymous variant.
Genome position (GRCh38, 1-based): chr19:51,746,269, G>T on the plus strand (C>A on the coding strand, the complement: FPR1 is on the minus strand). VCF-style: chr19-51746269-G-T. GRCh37 (hg19) VCF-style: chr19-52249522-G-T.
Other names: c.726C>A, p.Val242= (NM_001193306.2).
Identifiers: ClinVar variation 2066974 (VCV002066974.6), dbSNP rs143583727, ClinGen allele CA9616395.

ClinVar aggregate classification (germline): Likely benign. Review status: criteria provided, single submitter (1 of 4 stars). 2 submissions from 2 submitters: Likely benign (1). 1 of the submissions does not count toward it. Last evaluated 2025-11-03.

Conditions:
Gingival disorder. Also called: Gingival disease. Identifiers: MedGen C0017563, MONDO:0002021.
FPR1-related disorder. Also called: FPR1-related condition.

Allele frequency attached by ClinVar (database versions not stated): gnomAD 0.00001; ExAC 0.00003; gnomAD exomes 0.00003; TOPMed 0.00003; ESP Exome Variant Server 0.00008.

Submissions (2):

Labcorp Genetics (formerly Invitae), Labcorp
Classification: Likely benign for Gingival disorder. Last evaluated: 2025-11-03. Review status: criteria provided, single submitter. Criteria: Invitae Variant Classification Sherloc (09022015). Collection method: clinical testing. Allele origin: germline.

PreventionGenetics, part of Exact Sciences
Classification: Likely benign for FPR1-related condition. Last evaluated: 2021-02-15. Review status: no assertion criteria provided. Collection method: clinical testing. Allele origin: germline. Not counted in ClinVar's aggregate classification.
Comment: This variant is classified as likely benign based on ACMG/AMP sequence variant interpretation guidelines (Richards et al. 2015 PMID: 25741868, with internal and published modifications).